The following is an entry in ClinVar:

ClinVar aggregate classification (germline): Uncertain significance (1 of 4 stars; one submission).

Conditions:
Nemaline myopathy 2 (NEM2). Also called: Nemaline myopathy 2, autosomal recessive. Identifiers: MedGen C1850569, MONDO:0009725, OMIM 256030.

Allele frequency attached by ClinVar (database versions not stated): gnomAD exomes below 0.00001; TOPMed 0.00001.
gnomAD v4.1: 1 of 1,605,744 alleles (0.000062%); highest among the groups gnomAD compares: Non-Finnish European, 0.000085%; no homozygotes.

Submission:

Labcorp Genetics (formerly Invitae), Labcorp
Classification: Uncertain significance for Nemaline myopathy 2. Last evaluated: 2017-05-22. Review status: criteria provided, single submitter. Criteria: Invitae Variant Classification Sherloc (09022015). Collection method: clinical testing. Allele origin: germline.
Comment: Algorithms developed to predict the effect of missense changes on protein structure and function do not agree on the potential impact of this missense change (SIFT: "Deleterious"; PolyPhen-2: "Unavailable"; Align-GVGD: "Class C0"). In summary, this variant is a novel missense change with uncertain impact on protein function. It has been classified as a Variant of Uncertain Significance. While this variant is not present in population databases (Exac no frequency), the frequency information is unreliable, as metrics indicate poor data quality at this position in the ExAC database. This variant has not been reported in the literature in an individual with an NEB-related disease. This sequence change replaces leucine with proline at codon 5876 of the NEB protein (p.Leu5876Pro). The leucine residue is weakly conserved and there is a moderate physicochemical difference between leucine and proline.

NM_001164508.2(NEB):c.17627T>C (p.Leu5876Pro)

Gene: NEB (nebulin; minus strand). Cytogenetic location: 2q23.3.
Variant type: single nucleotide variant.
Coding change: c.17627T>C on transcript NM_001164508.2 (MANE Select); coding-DNA position 17627, T replaced by C.
Protein change: p.Leu5876Pro; replaces leucine 5876 with proline.
Molecular consequence: missense variant.
Genome position (GRCh38, 1-based): chr2:151,568,625, A>G on the plus strand (T>C on the coding strand, the complement: NEB is on the minus strand). VCF-style: chr2-151568625-A-G. GRCh37 (hg19) VCF-style: chr2-152425139-A-G.
Other names: c.17627T>C, p.Leu5876Pro (NM_001164507.2, NM_001271208.2); c.12524T>C, p.Leu4175Pro (NM_004543.5); short protein forms L5876P, L4175P.
Identifiers: ClinVar variation 465506 (VCV000465506.8), dbSNP rs1181510782, ClinGen allele CA348805089.
Genomic context (GRCh38, chr2:151,568,625, plus strand): 5'-TTTGGAAGTGATATCTGCATCACTGTGAGATTTTAAAACAGCCATATACTTACATCATCG[A>G]GGATCTCGCCACTTTGTTTCGCTGTCACATAATCAACTCTGTCATCCACAGGCGTAAAGT-3'
Protein context (NP_001157980.2, residues 5866-5886): YVTAKQSGEI[Leu5876Pro]DDIKYRKDWN